The following is an entry in ClinVar:

NM_003742.4(ABCB11):c.2933C>T (p.Ala978Val)

Gene: ABCB11 (ATP binding cassette subfamily B member 11; minus strand). Cytogenetic location: 2q31.1.
Variant type: single nucleotide variant.
Coding change: c.2933C>T on transcript NM_003742.4 (MANE Select); coding-DNA position 2933, C replaced by T.
Protein change: p.Ala978Val; replaces alanine 978 with valine.
Molecular consequence: missense variant.
Genome position (GRCh38, 1-based): chr2:168,935,307, G>A on the plus strand (C>T on the coding strand, the complement: ABCB11 is on the minus strand). VCF-style: chr2-168935307-G-A. GRCh37 (hg19) VCF-style: chr2-169791817-G-A.
Other names: short protein forms A978V.
Identifiers: ClinVar variation 4999339 (VCV004999339.1).

ClinVar aggregate classification (germline): Uncertain significance (1 of 4 stars; one submission).

Conditions:
ABCB11-related disorder. Also called: ABCB11-related condition.

Submission:

PreventionGenetics, part of Exact Sciences
Classification: Uncertain significance for ABCB11-related condition. Last evaluated: 2024-10-25. Review status: criteria provided, single submitter. Criteria: ACMG Guidelines, 2015. Collection method: clinical testing. Allele origin: germline.
Comment: The ABCB11 c.2933C>T variant is predicted to result in the amino acid substitution p.Ala978Val. To our knowledge, this variant has not been reported in the literature or in a large population database (gnomAD), indicating this variant is rare. At this time, the clinical significance of this variant is uncertain due to the absence of conclusive functional and genetic evidence.